The following is an entry in ClinVar:

ClinVar aggregate classification (germline): Uncertain significance. Review status: criteria provided, multiple submitters, no conflicts (2 of 4 stars). 2 submissions from 2 submitters: Uncertain significance (2). Last evaluated 2022-06-03.

Allele frequency attached by ClinVar (database versions not stated): gnomAD exomes below 0.00001; TOPMed 0.00003.
gnomAD v4.1: 2 of 1,613,868 alleles (0.00012%); highest among the groups gnomAD compares: Admixed American, 0.0033%; no homozygotes.

Submissions (2):

Labcorp Genetics (formerly Invitae), Labcorp
Classification: Uncertain significance. Last evaluated: 2022-06-03. Review status: criteria provided, single submitter. Criteria: Invitae Variant Classification Sherloc (09022015). Collection method: clinical testing. Allele origin: germline.
Comment: In summary, the available evidence is currently insufficient to determine the role of this variant in disease. Therefore, it has been classified as a Variant of Uncertain Significance. Algorithms developed to predict the effect of missense changes on protein structure and function are either unavailable or do not agree on the potential impact of this missense change (SIFT: "Tolerated"; PolyPhen-2: "Not Available"; Align-GVGD: "Class C0"). ClinVar contains an entry for this variant (Variation ID: 1420161). This variant has not been reported in the literature in individuals affected with ZCCHC8-related conditions. This variant is present in population databases (rs796079777, gnomAD 0.003%). This sequence change replaces lysine, which is basic and polar, with glutamic acid, which is acidic and polar, at codon 152 of the ZCCHC8 protein (p.Lys152Glu).

Ambry Genetics
Classification: Uncertain significance. Last evaluated: 2021-06-22. Review status: criteria provided, single submitter. Criteria: Ambry Variant Classification Scheme 2023. Collection method: clinical testing. Allele origin: germline.

NM_017612.5(ZCCHC8):c.454A>G (p.Lys152Glu)

Gene: ZCCHC8 (zinc finger CCHC-type containing 8; minus strand). Cytogenetic location: 12q24.31.
Variant type: single nucleotide variant.
Coding change: c.454A>G on transcript NM_017612.5 (MANE Select); coding-DNA position 454, A replaced by G.
Protein change: p.Lys152Glu; replaces lysine 152 with glutamic acid.
Molecular consequence: missense variant. On other transcripts: 5 prime UTR variant (2).
Genome position (GRCh38, 1-based): chr12:122,489,433, T>C on the plus strand (A>G on the coding strand, the complement: ZCCHC8 is on the minus strand). VCF-style: chr12-122489433-T-C. GRCh37 (hg19) VCF-style: chr12-122973980-T-C.
Other names: c.454A>G (NM_017612.3); c.454A>G, p.Lys152Glu (NM_001350935.2); c.157A>G, p.Lys53Glu (NM_001350936.2); c.-91A>G (NM_001350937.2, NM_001350938.2); short protein forms K152E, K53E.
Identifiers: ClinVar variation 1420161 (VCV001420161.9), dbSNP rs796079777, ClinGen allele CA244757845.
Genomic context (GRCh38, chr12:122,489,433, plus strand): 5'-TGTCCAAACTTACACTGAAAGCTTCCTTGTTGTTTTTAATGGCACAGGACTCTTCCACTT[T>C]GTGGTCCTCCTCTAGCACAATACTGGATGGCTAATACAAAGAAAAACACATATTACAACC-3'
Protein context (NP_060082.2, residues 142-162): PSSIVLEEDH[Lys152Glu]VEESCAIKNN